The following is an entry in ClinVar:

NM_003119.4(SPG7):c.2021T>C (p.Ile674Thr)

Gene: SPG7 (SPG7 matrix AAA peptidase subunit, paraplegin; plus strand). Cytogenetic location: 16q24.3.
Variant type: single nucleotide variant.
Coding change: c.2021T>C on transcript NM_003119.4 (MANE Select); coding-DNA position 2021, T replaced by C.
Protein change: p.Ile674Thr; replaces isoleucine 674 with threonine.
Molecular consequence: missense variant.
Genome position (GRCh38, 1-based): chr16:89,553,878, T>C. VCF-style: chr16-89553878-T-C. GRCh37 (hg19) VCF-style: chr16-89620286-T-C.
Other names: c.2021T>C, p.Ile674Thr (NM_001363850.1); short protein forms I674T.
Identifiers: ClinVar variation 1398157 (VCV001398157.8), dbSNP rs2152412186, ClinGen allele CA397434136.

ClinVar aggregate classification (germline): Uncertain significance (1 of 4 stars; one submission).

Conditions:
Hereditary spastic paraplegia 7 (SPG7). Also called: Autosomal recessive spastic paraplegia type 7; SPG7-related neurologic disorder; SPASTIC PARAPLEGIA 7, AUTOSOMAL RECESSIVE, WITH OR WITHOUT CEREBELLAR ATAXIA; Spastic paraplegia 7; Hereditary spastic paraplegia Paraplegin type. Identifiers: Orphanet 99013, MedGen C1846564, MONDO:0011803, OMIM 607259.

Submission:

Labcorp Genetics (formerly Invitae), Labcorp
Classification: Uncertain significance for Hereditary spastic paraplegia 7. Last evaluated: 2021-08-23. Review status: criteria provided, single submitter. Criteria: Invitae Variant Classification Sherloc (09022015). Collection method: clinical testing. Allele origin: germline.
Comment: This sequence change replaces isoleucine with threonine at codon 674 of the SPG7 protein (p.Ile674Thr). The isoleucine residue is weakly conserved and there is a moderate physicochemical difference between isoleucine and threonine. This variant is not present in population databases (ExAC no frequency). This variant has been observed in individual(s) with hereditary spastic paraplegia (Invitae). In at least one individual the data is consistent with the variant being in trans (on the opposite chromosome) from a pathogenic variant. Algorithms developed to predict the effect of missense changes on protein structure and function are either unavailable or do not agree on the potential impact of this missense change (SIFT: "Deleterious"; PolyPhen-2: "Benign"; Align-GVGD: "Class C25"). In summary, the available evidence is currently insufficient to determine the role of this variant in disease. Therefore, it has been classified as a Variant of Uncertain Significance.